The following is an entry in ClinVar:

ClinVar aggregate classification (germline): Uncertain significance (1 of 4 stars; one submission).

Submission:

GeneDx
Classification: Uncertain significance. Last evaluated: 2024-09-30. Review status: criteria provided, single submitter. Criteria: GeneDx Variant Classification Process June 2021. Collection method: clinical testing. Allele origin: germline. Affected: yes.
Comment: Not observed at significant frequency in large population cohorts (gnomAD); In silico analysis supports a deleterious effect on splicing; Has not been previously published as pathogenic or benign to our knowledge

NM_001348323.3(TRIP12):c.1279_1284del (p.Ser427_Val428del)

Gene: TRIP12 (thyroid hormone receptor interactor 12; minus strand). Cytogenetic location: 2q36.3.
Variant type: Deletion.
Coding change: c.1279_1284del on transcript NM_001348323.3 (MANE Select); coding-DNA positions 1279 to 1284, 6 bases deleted (TCTGTT; older notation c.1279_1284delTCTGTT).
Protein change: p.Ser427_Val428del.
Molecular consequence: inframe deletion. On other transcripts: intron variant (1).
Genome position (GRCh38, 1-based): chr2:229,830,826-229,830,831, AACAGA deleted on the plus strand (TCTGTT on the coding strand, the reverse complement: TRIP12 is on the minus strand); deleting any 6 consecutive bases within chr2:229,830,826-229,830,832 gives the same sequence; the c. name uses the placement nearest the transcript's 3' end. VCF-style (leftmost placement, unchanged base first): chr2-229830825-CAACAGA-C. GRCh37 (hg19) VCF-style: chr2-230695541-CAACAGA-C.
Other names: c.1279_1284del, p.Ser427_Val428del (NM_001284214.2, NM_001348315.2, NM_001348319.1 and 11 more transcripts); c.1153_1158del, p.Ser385_Val386del (NM_001284215.2, NM_001348316.2, NM_001348317.1 and 2 more transcripts); c.244_249del, p.Ser82_Val83del (NM_001284216.2); c.1192_1197del, p.Ser398_Val399del (NM_001348332.1); c.1145-10_1145-5del (NM_004238.3).
Identifiers: ClinVar variation 1306297 (VCV001306297.3), dbSNP rs2154298658, ClinGen allele CA2573051892.
Genomic context (GRCh38, chr2:229,830,825, plus strand): 5'-GTCCCATCTCGGAATCATCTGATTCACTCTCCCCAGAGGTGGTCATGCCAACAGCCCCTG[CAACAGA>C]ACTAGAGGCTTGGGGTGGAGGGGAAAGATGAGGGTTAGGAGGAGCACTTAAACACATTAT-3'